The following is an entry in ClinVar:

NM_024721.5(ZFHX4):c.6169C>T (p.Pro2057Ser)

Gene: ZFHX4 (zinc finger homeobox 4; plus strand). Cytogenetic location: 8q21.13.
Variant type: single nucleotide variant.
Coding change: c.6169C>T on transcript NM_024721.5 (MANE Select); coding-DNA position 6169, C replaced by T.
Protein change: p.Pro2057Ser; replaces proline 2057 with serine.
Molecular consequence: missense variant.
Genome position (GRCh38, 1-based): chr8:76,853,090, C>T. VCF-style: chr8-76853090-C-T. GRCh37 (hg19) VCF-style: chr8-77765326-C-T.
Other names: c.6091C>T, p.Pro2031Ser (NM_001410934.1); short protein forms P2031S, P2057S.
Identifiers: ClinVar variation 4607489 (VCV004607489.1).
Genomic context (GRCh38, chr8:76,853,090, plus strand): 5'-GCTCCACCACCCACTCCTCCCCCACCACCACCACCTCCTCCTCCTCCTCCTCCTCCCCCC[C>T]CACCTCCTCCACCTTCTGCTCCTCCACAGGTCCAACTGCCGGTTTCTCTGGACCTGCCGC-3'
Protein context (NP_078997.4, residues 2047-2067): PPPPPPPPPP[Pro2057Ser]PPPPSAPPQV

ClinVar aggregate classification (germline): Uncertain significance (1 of 4 stars; one submission).

gnomAD v4.1: 6 of 1,490,330 alleles (0.0004%); highest among the groups gnomAD compares: South Asian, 0.0074%; no homozygotes.

Submission:

Ambry Genetics
Classification: Uncertain significance. Last evaluated: 2025-10-28. Review status: criteria provided, single submitter. Criteria: Ambry Variant Classification Scheme 2023. Collection method: clinical testing. Allele origin: germline.
Comment: The c.6169C>T (p.P2057S) alteration is located in exon 10 (coding exon 9) of the ZFHX4 gene. This alteration results from a C to T substitution at nucleotide position 6169, causing the proline (P) at amino acid position 2057 to be replaced by a serine (S). Based on data from gnomAD, the T allele has an overall frequency of 0.001% (1/140462) total alleles studied. The highest observed frequency was 0.005% (1/21212) of South Asian alleles. Based on insufficient or conflicting evidence, the clinical significance of this alteration remains unclear.